The following is an entry in ClinVar:

ClinVar aggregate classification (germline): Uncertain significance. Review status: criteria provided, multiple submitters, no conflicts (2 of 4 stars). 2 submissions from 2 submitters: Uncertain significance (2). Last evaluated 2025-10-07.

Conditions:
Hereditary cancer-predisposing syndrome. Also called: Neoplastic Syndromes, Hereditary; Hereditary Cancer Syndrome; Tumor predisposition; Hereditary neoplastic syndrome. Identifiers: Orphanet 140162, MedGen C0027672, MeSH D009386, MONDO:0015356.
Gorlin syndrome. Also called: Nevoid Basal Cell Carcinoma Syndrome; Basal cell nevus syndrome. Identifiers: Orphanet 377, MedGen C0004779, MONDO:0007187.

Allele frequency attached by ClinVar (database versions not stated): gnomAD exomes below 0.00001.
gnomAD v4.1: 1 of 1,611,638 alleles (0.000062%); highest among the groups gnomAD compares: Non-Finnish European, 0.000085%; no homozygotes.

Submissions (2):

Labcorp Genetics (formerly Invitae), Labcorp
Classification: Uncertain significance for Gorlin syndrome. Last evaluated: 2025-10-07. Review status: criteria provided, single submitter. Criteria: Invitae Variant Classification Sherloc (09022015). Collection method: clinical testing. Allele origin: germline.
Comment: This sequence change replaces threonine, which is neutral and polar, with alanine, which is neutral and non-polar, at codon 71 of the PTCH1 protein (p.Thr71Ala). This variant is not present in population databases (gnomAD no frequency). This variant has not been reported in the literature in individuals affected with PTCH1-related conditions. ClinVar contains an entry for this variant (Variation ID: 2564395). Invitae Evidence Modeling of protein sequence and biophysical properties (such as structural, functional, and spatial information, amino acid conservation, physicochemical variation, residue mobility, and thermodynamic stability) indicates that this missense variant is not expected to disrupt PTCH1 protein function with a negative predictive value of 95%. In summary, the available evidence is currently insufficient to determine the role of this variant in disease. Therefore, it has been classified as a Variant of Uncertain Significance.

Ambry Genetics
Classification: Uncertain significance for Hereditary cancer-predisposing syndrome. Last evaluated: 2023-05-18. Review status: criteria provided, single submitter. Criteria: Ambry Variant Classification Scheme 2023. Collection method: clinical testing. Allele origin: germline.
Comment: The p.T71A variant (also known as c.211A>G), located in coding exon 2 of the PTCH1 gene, results from an A to G substitution at nucleotide position 211. The threonine at codon 71 is replaced by alanine, an amino acid with similar properties. This amino acid position is conserved. In addition, the in silico prediction for this alteration is inconclusive. Since supporting evidence is limited at this time, the clinical significance of this alteration remains unclear.

NM_000264.5(PTCH1):c.211A>G (p.Thr71Ala)

Gene: PTCH1 (patched 1; minus strand). Cytogenetic location: 9q22.32.
Variant type: single nucleotide variant.
Coding change: c.211A>G on transcript NM_000264.5 (MANE Select); coding-DNA position 211, A replaced by G.
Protein change: p.Thr71Ala; replaces threonine 71 with alanine.
Molecular consequence: missense variant. On other transcripts: 5 prime UTR variant (4), non-coding transcript variant (1).
Genome position (GRCh38, 1-based): chr9:95,506,590, T>C on the plus strand (A>G on the coding strand, the complement: PTCH1 is on the minus strand). VCF-style: chr9-95506590-T-C. GRCh37 (hg19) VCF-style: chr9-98268872-T-C.
Other names: c.13A>G, p.Thr5Ala (NM_001083602.3, NM_001354919.2); c.208A>G, p.Thr70Ala (NM_001083603.3); c.-243A>G (NM_001083604.3, NM_001083605.3, NM_001083606.3 and 1 more transcripts); c.211A>G, p.Thr71Ala (NM_001354918.2); short protein forms T71A, T5A, T70A.
Identifiers: ClinVar variation 2564395 (VCV002564395.3), dbSNP rs2118881282, ClinGen allele CA374120754.